The following is an entry in ClinVar:

ClinVar aggregate classification (germline): Pathogenic (1 of 4 stars; one submission).

Conditions:
Acrocallosal syndrome (ACLS). Also called: HALLUX DUPLICATION, POSTAXIAL POLYDACTYLY, AND ABSENCE OF CORPUS CALLOSUM; Schinzel syndrome 1; Absence of corpus callosum with unusual facial appearance, mental deficiency, duplication of the halluces and polydactyly. Identifiers: Orphanet 36, MedGen C0796147, MONDO:0008708, OMIM 200990.

Submission:

Labcorp Genetics (formerly Invitae), Labcorp
Classification: Pathogenic for Acrocallosal syndrome. Last evaluated: 2025-04-23. Review status: criteria provided, single submitter. Criteria: Invitae Variant Classification Sherloc (09022015). Collection method: clinical testing. Allele origin: germline.
Comment: This sequence change creates a premature translational stop signal (p.Met856Asnfs*16) in the KIF7 gene. It is expected to result in an absent or disrupted protein product. Loss-of-function variants in KIF7 are known to be pathogenic (PMID: 19666503, 21552264, 21633164, 26648833). This variant is not present in population databases (gnomAD no frequency). This variant has not been reported in the literature in individuals affected with KIF7-related conditions. For these reasons, this variant has been classified as Pathogenic.

Literature cited by the submitters: PubMed 19666503; PubMed 21552264; PubMed 21633164; PubMed 26648833.

NM_198525.3(KIF7):c.2566dup (p.Met856fs)

Gene: KIF7 (kinesin family member 7; minus strand). Cytogenetic location: 15q26.1.
Variant type: Duplication.
Coding change: c.2566dup on transcript NM_198525.3 (MANE Select); coding-DNA position 2566, one base duplicated (A; older notation c.2566dupA).
Protein change: p.Met856fs; shifts the reading frame from methionine 856.
Molecular consequence: frameshift variant.
Genome position (GRCh38, 1-based): chr15:89,633,712, T duplicated on the plus strand (A on the coding strand, the reverse complement: KIF7 is on the minus strand); the first of 3 consecutive T bases (chr15:89,633,712-89,633,714); duplicating any one gives the same sequence. VCF-style (leftmost placement, unchanged base first): chr15-89633711-A-AT. GRCh37 (hg19) VCF-style: chr15-90176942-A-AT.
Other names: short protein forms M856fs.
Identifiers: ClinVar variation 4700441 (VCV004700441.1).